The following is an entry in ClinVar:

ClinVar aggregate classification (germline): Conflicting classifications of pathogenicity. Review status: criteria provided, conflicting classifications (1 of 4 stars). 2 submissions from 2 submitters: Pathogenic (1); Likely benign (1). Last evaluated 2024-04-08.

Conditions:
Immunodeficiency 104. Also called: IMMUNODEFICIENCY 104, SEVERE COMBINED; SCID, AUTOSOMAL RECESSIVE, T CELL-NEGATIVE, B CELL-POSITIVE, NK CELL-POSITIVE; Severe combined immunodeficiency, autosomal recessive, T cell-negative, B cell-positive, NK cell-positive; Severe Combined Immune Deficiency, Autosomal Recessive, TCell -Negative, B Cell-Positive, NK Cell-Positive, IL7R-Related. Identifiers: MedGen C5676890, MONDO:0012163, OMIM 608971.

Submissions (2):

Human Genetics Section, Sidra Medicine
Classification: Pathogenic for Immunodeficiency 104. Last evaluated: 2024-04-08. Review status: criteria provided, single submitter. Criteria: ACMG Guidelines, 2015. Collection method: research. Allele origin: germline. Inheritance: Autosomal recessive inheritance. Affected: yes. Observed: 1 homozygote.
Comment: The c.735C>T (p.Ile245=) variant was detected in 2 affected girls born to a consanguineous Pakistani family. Patients are affected with severe combined immunodeficiency with maternal engraftment. The variant has been reported by Invitae as likely benign (most probably detected in one of our patient sample sent to Invitae), but we have experimental/functional evidence showing its pathogenicity. The variant causes a constitutive skipping of exon6, which is the exon coding for the transmembrane domain of IL7R. As a conclusion, patients lack membrane IL7R. Please refer to PMID: 38587703 for all the functional details related to this variant.

Labcorp Genetics (formerly Invitae), Labcorp
Classification: Likely benign for Immunodeficiency 104. Last evaluated: 2022-04-10. Review status: criteria provided, single submitter. Criteria: Invitae Variant Classification Sherloc (09022015). Collection method: clinical testing. Allele origin: germline.

Literature cited by the submitters: PubMed 38587703 (cited by Human Genetics Section, Sidra Medicine).

NM_002185.5(IL7R):c.735C>T (p.Ile245=)

Gene: IL7R (interleukin 7 receptor; plus strand). Cytogenetic location: 5p13.2.
Variant type: single nucleotide variant.
Coding change: c.735C>T on transcript NM_002185.5 (MANE Select); coding-DNA position 735, C replaced by T.
Protein change: p.Ile245=; no amino-acid change (isoleucine 245 retained).
Molecular consequence: synonymous variant. On other transcripts: intron variant (1).
Genome position (GRCh38, 1-based): chr5:35,874,477, C>T. VCF-style: chr5-35874477-C-T. GRCh37 (hg19) VCF-style: chr5-35874579-C-T.
Other names: c.706+829C>T (NM_001410734.1).
Identifiers: ClinVar variation 1896138 (VCV001896138.5), dbSNP rs2149904036, ClinGen allele CA443892806.